The following is an entry in ClinVar:

ClinVar aggregate classification (germline): Uncertain significance. Review status: criteria provided, multiple submitters, no conflicts (2 of 4 stars). 2 submissions from 2 submitters: Uncertain significance (2). Last evaluated 2022-03-08.

Conditions:
Inclusion body myopathy with Paget disease of bone and frontotemporal dementia. Also called: Inclusion body myopathy with early-onset Paget disease and frontotemporal dementia. Identifiers: Orphanet 52430, MedGen C1833662, MONDO:0000507.
Frontotemporal dementia and/or amyotrophic lateral sclerosis 6 (FTDALS6). Also called: VCP-Related Amyotrophic Lateral Sclerosis/Frontotemporal Dementia; VCP-Related Amyotrophic Lateral Sclerosis. Identifiers: Orphanet 275872, Orphanet 803, MedGen C5436279, MONDO:0013501, OMIM 613954.

Allele frequency attached by ClinVar (database versions not stated): TOPMed below 0.00001; gnomAD exomes 0.00001.
gnomAD v4.1: 4 of 1,613,426 alleles (0.00025%); no homozygotes.

Submissions (2):

Labcorp Genetics (formerly Invitae), Labcorp
Classification: Uncertain significance for Inclusion body myopathy with Paget disease of bone and frontotemporal dementia; Frontotemporal dementia and/or amyotrophic lateral sclerosis 6. Last evaluated: 2022-03-08. Review status: criteria provided, single submitter. Criteria: Invitae Variant Classification Sherloc (09022015). Collection method: clinical testing. Allele origin: germline.
Comment: In summary, the available evidence is currently insufficient to determine the role of this variant in disease. Therefore, it has been classified as a Variant of Uncertain Significance. Advanced modeling of protein sequence and biophysical properties (such as structural, functional, and spatial information, amino acid conservation, physicochemical variation, residue mobility, and thermodynamic stability) performed at Invitae indicates that this missense variant is not expected to disrupt VCP protein function. This variant has not been reported in the literature in individuals affected with VCP-related conditions. This variant is present in population databases (no rsID available, gnomAD 0.02%). This sequence change replaces histidine with proline at codon 404 of the VCP protein (p.His404Pro). The histidine residue is highly conserved and there is a moderate physicochemical difference between histidine and proline.

Revvity Omics, Revvity
Classification: Uncertain significance. Last evaluated: 2020-05-05. Review status: criteria provided, single submitter. Criteria: ACMG Guidelines, 2015. Collection method: clinical testing. Allele origin: germline.

NM_007126.5(VCP):c.1211A>C (p.His404Pro)

Gene: VCP (valosin containing protein; minus strand). Cytogenetic location: 9p13.3.
Variant type: single nucleotide variant.
Coding change: c.1211A>C on transcript NM_007126.5 (MANE Select); coding-DNA position 1211, A replaced by C.
Protein change: p.His404Pro; replaces histidine 404 with proline.
Molecular consequence: missense variant.
Genome position (GRCh38, 1-based): chr9:35,061,163, T>G on the plus strand (A>C on the coding strand, the complement: VCP is on the minus strand). VCF-style: chr9-35061163-T-G. GRCh37 (hg19) VCF-style: chr9-35061160-T-G.
Other names: c.1076A>C, p.His359Pro (NM_001354927.2, NM_001354928.2); c.1211A>C (NM_007126.3); short protein forms H404P, H359P.
Identifiers: ClinVar variation 1387478 (VCV001387478.13), dbSNP rs1359620830, ClinGen allele CA373282728.